The following is an entry in ClinVar:

ClinVar aggregate classification (germline): Conflicting classifications of pathogenicity. Review status: criteria provided, conflicting classifications (1 of 4 stars). 5 submissions from 5 submitters: Uncertain significance (4); Likely benign (1). Last evaluated 2026-01-26.

Conditions:
Hereditary cancer-predisposing syndrome. Also called: Hereditary neoplastic syndrome; Neoplastic Syndromes, Hereditary; Tumor predisposition; Hereditary Cancer Syndrome. Identifiers: Orphanet 140162, MedGen C0027672, MeSH D009386, MONDO:0015356.
Familial cancer of breast. Also called: Hereditary breast cancer; hereditary breast carcinoma; BREAST CANCER, FAMILIAL. Identifiers: Orphanet 227535, MedGen C0346153, MONDO:0016419, OMIM 114480. Disease mechanism: loss of function.
Ataxia-telangiectasia syndrome (AT). Also called: Ataxia telangiectasia (A-T); LOUIS-BAR SYNDROME; Cerebello-oculocutaneous telangiectasia; Immunodeficiency with ataxia telangiectasia; Ataxia-telangiectasia, complementation group D; AT, COMPLEMENTATION GROUP C. Identifiers: Orphanet 100, MedGen C0004135, MONDO:0008840, OMIM 208900.

Allele frequency attached by ClinVar (database versions not stated): gnomAD exomes below 0.00001; gnomAD 0.00001; TOPMed 0.00001; ExAC 0.00002; ESP Exome Variant Server 0.00008.
gnomAD v4.1: 6 of 1,602,632 alleles (0.00037%); highest among the groups gnomAD compares: African/African-American, 0.0041%; no homozygotes.

Submissions (5):

Labcorp Genetics (formerly Invitae), Labcorp
Classification: Uncertain significance for Ataxia-telangiectasia syndrome. Last evaluated: 2026-01-26. Review status: criteria provided, single submitter. Criteria: Invitae Variant Classification Sherloc (09022015). Collection method: clinical testing. Allele origin: germline.
Comment: This sequence change replaces leucine, which is neutral and non-polar, with valine, which is neutral and non-polar, at codon 176 of the ATM protein (p.Leu176Val). This variant is present in population databases (rs375798802, gnomAD 0.009%). This variant has not been reported in the literature in individuals affected with ATM-related conditions. ClinVar contains an entry for this variant (Variation ID: 407585). Invitae Evidence Modeling of protein sequence and biophysical properties (such as structural, functional, and spatial information, amino acid conservation, physicochemical variation, residue mobility, and thermodynamic stability) indicates that this missense variant is not expected to disrupt ATM protein function with a negative predictive value of 95%. In summary, the available evidence is currently insufficient to determine the role of this variant in disease. Therefore, it has been classified as a Variant of Uncertain Significance.

St. Jude Molecular Pathology, St. Jude Children's Research Hospital
Classification: Uncertain significance for Ataxia-telangiectasia syndrome. Last evaluated: 2025-06-17. Review status: criteria provided, single submitter. Criteria: St. Jude Assertion Criteria 2020. Collection method: clinical testing. Allele origin: germline.
Comment: The ATM c.526C>G p.(Leu176Val) missense change has a maximum subpopulation frequency of 0.008% in gnomAD v2.1.1. The in silico tool REVEL predicts a benign effect on protein function, but to our knowledge this prediction has not been confirmed by functional studies. To our knowledge, this variant has not been reported in individuals with ataxia telangiectasia. In summary, the evidence currently available is insufficient to determine the clinical significance of this variant. It has therefore been classified as of uncertain significance.

Ambry Genetics
Classification: Likely benign for Hereditary cancer-predisposing syndrome. Last evaluated: 2024-07-01. Review status: criteria provided, single submitter. Criteria: Ambry Variant Classification Scheme 2023. Collection method: clinical testing. Allele origin: germline.

Color Diagnostics, LLC DBA Color Health
Classification: Uncertain significance for Hereditary cancer-predisposing syndrome. Last evaluated: 2024-03-06. Review status: criteria provided, single submitter. Criteria: ACMG Guidelines, 2015. Collection method: clinical testing. Allele origin: germline.
Comment: This missense variant replaces leucine with valine at codon 176 of the ATM protein. Computational prediction suggests that this variant may not impact protein structure and function (internally defined REVEL score threshold <= 0.5, PMID: 27666373). To our knowledge, functional studies have not been reported for this variant. This variant has not been reported in individuals affected with hereditary cancer in the literature. This variant has been identified in 2/269316 chromosomes in the general population by the Genome Aggregation Database (gnomAD). The available evidence is insufficient to determine the role of this variant in disease conclusively. Therefore, this variant is classified as a Variant of Uncertain Significance.

Baylor Genetics
Classification: Uncertain significance for Familial cancer of breast. Last evaluated: 2023-11-27. Review status: criteria provided, single submitter. Criteria: ACMG Guidelines, 2015. Collection method: clinical testing. Allele origin: unknown.

NM_000051.4(ATM):c.526C>G (p.Leu176Val)

Gene: ATM (ATM serine/threonine kinase; plus strand). Cytogenetic location: 11q22.3.
Variant type: single nucleotide variant.
Coding change: c.526C>G on transcript NM_000051.4 (MANE Select); coding-DNA position 526, C replaced by G.
Protein change: p.Leu176Val; replaces leucine 176 with valine.
Molecular consequence: missense variant.
Genome position (GRCh38, 1-based): chr11:108,243,982, C>G. VCF-style: chr11-108243982-C-G. GRCh37 (hg19) VCF-style: chr11-108114709-C-G.
Other names: c.526C>G, p.Leu176Val (NM_001351834.2); short protein forms L176V.
Identifiers: ClinVar variation 407585 (VCV000407585.21), dbSNP rs375798802, ClinGen allele CA6264627.